The following is an entry in ClinVar:

ClinVar aggregate classification (germline): Uncertain significance. Review status: criteria provided, multiple submitters, no conflicts (2 of 4 stars). 4 submissions from 4 submitters: Uncertain significance (3). 1 of the submissions does not count toward it. Last evaluated 2024-11-13.

Conditions:
RGS9BP-related disorder. Also called: RGS9BP-related condition.

Allele frequency attached by ClinVar (database versions not stated): gnomAD exomes 0.00003 and 0.00013; ExAC 0.00039; TOPMed 0.00039; gnomAD 0.00043 and 0.00049.

Submissions (4):

Blueprint Genetics
Classification: Uncertain significance. Last evaluated: 2024-11-13. Review status: criteria provided, single submitter. Criteria: ACMG Guidelines, 2015. Collection method: clinical testing. Allele origin: germline.

Labcorp Genetics (formerly Invitae), Labcorp
Classification: Uncertain significance. Last evaluated: 2024-01-02. Review status: criteria provided, single submitter. Criteria: Invitae Variant Classification Sherloc (09022015). Collection method: clinical testing. Allele origin: germline.
Comment: This sequence change replaces proline, which is neutral and non-polar, with leucine, which is neutral and non-polar, at codon 104 of the RGS9BP protein (p.Pro104Leu). This variant is present in population databases (rs774841433, gnomAD 0.2%). This variant has not been reported in the literature in individuals affected with RGS9BP-related conditions. ClinVar contains an entry for this variant (Variation ID: 288311). An algorithm developed to predict the effect of missense changes on protein structure and function (PolyPhen-2) suggests that this variant is likely to be disruptive. In summary, the available evidence is currently insufficient to determine the role of this variant in disease. Therefore, it has been classified as a Variant of Uncertain Significance.

Eurofins Ntd Llc (ga)
Classification: Uncertain significance. Last evaluated: 2016-07-05. Review status: criteria provided, single submitter. Criteria: EGL Classification Definitions 2015. Collection method: clinical testing. Allele origin: germline. Observed: 1 variant allele, 1 heterozygote.

PreventionGenetics, part of Exact Sciences
Classification: Likely benign for RGS9BP-related condition. Last evaluated: 2024-06-26. Review status: no assertion criteria provided. Collection method: clinical testing. Allele origin: germline. Not counted in ClinVar's aggregate classification.
Comment: This variant is classified as likely benign based on ACMG/AMP sequence variant interpretation guidelines (Richards et al. 2015 PMID: 25741868, with internal and published modifications).

NM_207391.3(RGS9BP):c.311C>T (p.Pro104Leu)

Gene: RGS9BP (regulator of G protein signaling 9 binding protein; plus strand). Cytogenetic location: 19q13.11.
Variant type: single nucleotide variant.
Coding change: c.311C>T on transcript NM_207391.3 (MANE Select); coding-DNA position 311, C replaced by T.
Protein change: p.Pro104Leu; replaces proline 104 with leucine.
Molecular consequence: missense variant.
Genome position (GRCh38, 1-based): chr19:32,676,574, C>T. VCF-style: chr19-32676574-C-T. GRCh37 (hg19) VCF-style: chr19-33167480-C-T.
Other names: short protein forms P104L.
Identifiers: ClinVar variation 288311 (VCV000288311.12), dbSNP rs774841433, ClinGen allele CA9357529.